The following is an entry in ClinVar:

ClinVar aggregate classification (germline): Pathogenic (1 of 4 stars; one submission).

Conditions:
Familial cancer of breast. Also called: Hereditary breast cancer; BREAST CANCER, FAMILIAL; hereditary breast carcinoma. Identifiers: Orphanet 227535, MedGen C0346153, MONDO:0016419, OMIM 114480. Disease mechanism: loss of function.

Submission:

Myriad Genetics, Inc.
Classification: Pathogenic for Familial cancer of breast. Last evaluated: 2023-05-25. Review status: criteria provided, single submitter. Criteria: Myriad Autosomal Dominant, Autosomal Recessive and X-Linked Classification Criteria (2023). Collection method: clinical testing. Allele origin: unknown.
Comment: This variant is considered pathogenic. This variant creates a frameshift predicted to result in premature protein truncation.

NM_000465.4(BARD1):c.2228del (p.Cys743fs)

Gene: BARD1 (BRCA1 associated RING domain 1; minus strand). Cytogenetic location: 2q35.
Variant type: Deletion.
Coding change: c.2228del on transcript NM_000465.4 (MANE Select); coding-DNA position 2228, one base deleted (G; older notation c.2228delG).
Protein change: p.Cys743fs; shifts the reading frame from cysteine 743.
Molecular consequence: frameshift variant. On other transcripts: non-coding transcript variant (3).
Genome position (GRCh38, 1-based): chr2:214,728,782, C deleted on the plus strand (G on the coding strand, the reverse complement: BARD1 is on the minus strand). VCF-style (leftmost placement, unchanged base first): chr2-214728781-AC-A. GRCh37 (hg19) VCF-style: chr2-215593505-AC-A.
Other names: c.2171del, p.Cys724fs (NM_001282543.2); c.875del, p.Cys292fs (NM_001282545.2); c.818del, p.Cys273fs (NM_001282548.2); c.689del, p.Cys230fs (NM_001282549.2); short protein forms C230fs, C273fs, C292fs, C724fs, C743fs.
Identifiers: ClinVar variation 2583676 (VCV002583676.2), dbSNP rs2469268677, ClinGen allele CA2582342078.